The following is an entry in ClinVar:

ClinVar aggregate classification (germline): Uncertain significance (1 of 4 stars; one submission).

Submission:

GeneDx
Classification: Uncertain significance. Last evaluated: 2023-12-02. Review status: criteria provided, single submitter. Criteria: GeneDx Variant Classification Process June 2021. Collection method: clinical testing. Allele origin: germline. Affected: yes.
Comment: Not observed at significant frequency in large population cohorts (gnomAD); In silico analysis supports that this missense variant has a deleterious effect on protein structure/function; Has not been previously published as pathogenic or benign to our knowledge

NM_170606.3(KMT2C):c.4744G>C (p.Gly1582Arg)

Gene: KMT2C (lysine methyltransferase 2C; minus strand). Cytogenetic location: 7q36.1.
Variant type: single nucleotide variant.
Coding change: c.4744G>C on transcript NM_170606.3 (MANE Select); coding-DNA position 4744, G replaced by C.
Protein change: p.Gly1582Arg; replaces glycine 1582 with arginine.
Molecular consequence: missense variant.
Genome position (GRCh38, 1-based): chr7:152,187,764, C>G on the plus strand (G>C on the coding strand, the complement: KMT2C is on the minus strand). VCF-style: chr7-152187764-C-G. GRCh37 (hg19) VCF-style: chr7-151884849-C-G.
Other names: short protein forms G1582R.
Identifiers: ClinVar variation 3365037 (VCV003365037.1).
Genomic context (GRCh38, chr7:152,187,764, plus strand): 5'-AAGGCTTGTACCTGGCATCAGGATAAGAGGATTGTGCAATTGCAGAGAAAGTTCCCAGTC[C>G]GCTTCCAGGTGGCAAAGAATTATGTGGGAGATGAGGACTGGATCCAATAAGGCCATTCAT-3'
Protein context (NP_733751.2, residues 1572-1592): LPHNSLPPGS[Gly1582Arg]LGTFSAIAQS